The following is an entry in ClinVar:

NM_033305.3(VPS13A):c.760C>T (p.Arg254Cys)

Gene: VPS13A (vacuolar protein sorting 13 homolog A; plus strand). Cytogenetic location: 9q21.2.
Variant type: single nucleotide variant.
Coding change: c.760C>T on transcript NM_033305.3 (MANE Select); coding-DNA position 760, C replaced by T.
Protein change: p.Arg254Cys; replaces arginine 254 with cysteine.
Molecular consequence: missense variant.
Genome position (GRCh38, 1-based): chr9:77,219,959, C>T. VCF-style: chr9-77219959-C-T. GRCh37 (hg19) VCF-style: chr9-79834875-C-T.
Other names: c.760C>T, p.Arg254Cys (NM_001018038.3, NM_015186.4, NM_001018037.2); short protein forms R254C.
Identifiers: ClinVar variation 2156443 (VCV002156443.1), dbSNP rs751155095, ClinGen allele CA5091479.

ClinVar aggregate classification (germline): Uncertain significance (1 of 4 stars; one submission).

Allele frequency attached by ClinVar (database versions not stated): gnomAD exomes 0.00001; ExAC 0.00002.
gnomAD v4.1: 17 of 1,613,078 alleles (0.0011%); highest among the groups gnomAD compares: Non-Finnish European, 0.0014%; no homozygotes.

Submission:

Labcorp Genetics (formerly Invitae), Labcorp
Classification: Uncertain significance. Last evaluated: 2022-06-03. Review status: criteria provided, single submitter. Criteria: Invitae Variant Classification Sherloc (09022015). Collection method: clinical testing. Allele origin: germline.
Comment: This sequence change replaces arginine, which is basic and polar, with cysteine, which is neutral and slightly polar, at codon 254 of the VPS13A protein (p.Arg254Cys). This variant is present in population databases (rs751155095, gnomAD 0.002%). This variant has not been reported in the literature in individuals affected with VPS13A-related conditions. Algorithms developed to predict the effect of missense changes on protein structure and function are either unavailable or do not agree on the potential impact of this missense change (SIFT: "Deleterious"; PolyPhen-2: "Possibly Damaging"; Align-GVGD: "Class C0"). In summary, the available evidence is currently insufficient to determine the role of this variant in disease. Therefore, it has been classified as a Variant of Uncertain Significance.